The following is an entry in ClinVar:

NM_007194.4(CHEK2):c.1254T>C (p.Phe418=)

Gene: CHEK2 (checkpoint kinase 2; minus strand). Cytogenetic location: 22q12.1.
Variant type: single nucleotide variant.
Coding change: c.1254T>C on transcript NM_007194.4 (MANE Select); coding-DNA position 1254, T replaced by C.
Protein change: p.Phe418=; no amino-acid change (phenylalanine 418 retained).
Molecular consequence: synonymous variant.
Genome position (GRCh38, 1-based): chr22:28,695,715, A>G on the plus strand (T>C on the coding strand, the complement: CHEK2 is on the minus strand). VCF-style: chr22-28695715-A-G. GRCh37 (hg19) VCF-style: chr22-29091703-A-G.
Other names: c.1383T>C, p.Phe461= (NM_001005735.3); c.591T>C, p.Phe197= (NM_001257387.3); c.1053T>C, p.Phe351= (NM_001349956.3); c.1167T>C, p.Phe389= (NM_145862.3).
Identifiers: ClinVar variation 3773169 (VCV003773169.1).

ClinVar aggregate classification (germline): Benign (1 of 4 stars; one submission).

Conditions:
Familial cancer of breast. Also called: Hereditary breast cancer; BREAST CANCER, FAMILIAL; hereditary breast carcinoma. Identifiers: Orphanet 227535, MedGen C0346153, MONDO:0016419, OMIM 114480. Disease mechanism: loss of function.

Submission:

Myriad Genetics, Inc.
Classification: Benign for Familial cancer of breast. Last evaluated: 2024-10-07. Review status: criteria provided, single submitter. Criteria: Myriad Autosomal Dominant, Autosomal Recessive and X-Linked Classification Criteria (2023). Collection method: clinical testing. Allele origin: unknown.
Comment: This variant is considered benign. This variant is a silent/synonymous amino acid change and it is not expected to impact splicing.